The following is an entry in ClinVar:

ClinVar aggregate classification (germline): Uncertain significance. Review status: criteria provided, multiple submitters, no conflicts (2 of 4 stars). 2 submissions from 2 submitters: Uncertain significance (2). Last evaluated 2024-03-05.

Conditions:
Hereditary cancer-predisposing syndrome. Also called: Hereditary neoplastic syndrome; Tumor predisposition; Hereditary Cancer Syndrome; Neoplastic Syndromes, Hereditary. Identifiers: Orphanet 140162, MedGen C0027672, MeSH D009386, MONDO:0015356.
BRCA2-related cancer predisposition. Identifiers: MedGen CN377758, MONDO:0700269.

Submissions (2):

All of Us Research Program, National Institutes of Health
Classification: Uncertain significance for BRCA2-related cancer predisposition. Last evaluated: 2024-03-05. Review status: criteria provided, single submitter. Criteria: ACMG Guidelines, 2015. Collection method: clinical testing. Allele origin: germline. Inheritance: Autosomal dominant inheritance. Observed: 1 variant allele, 1 heterozygote.
Comment: This study involves interpretation of variants in research participants for the purpose of population health screening. Participant phenotype was not available at the time of variant classification. Additional details can be found in publication PMID: 35346344, PMCID: PMC8962531

Ambry Genetics
Classification: Uncertain significance for Hereditary cancer-predisposing syndrome. Last evaluated: 2023-09-07. Review status: criteria provided, single submitter. Criteria: Ambry Variant Classification Scheme 2023. Collection method: clinical testing. Allele origin: germline.
Comment: The p.T207P variant (also known as c.619A>C), located in coding exon 6 of the BRCA2 gene, results from an A to C substitution at nucleotide position 619. The threonine at codon 207 is replaced by proline, an amino acid with highly similar properties. This amino acid position is conserved. In addition, the in silico prediction for this alteration is inconclusive. Since supporting evidence is limited at this time, the clinical significance of this alteration remains unclear.

NM_000059.4(BRCA2):c.619A>C (p.Thr207Pro)

Gene: BRCA2 (BRCA2 DNA repair associated; plus strand). Cytogenetic location: 13q13.1.
Variant type: single nucleotide variant.
Coding change: c.619A>C on transcript NM_000059.4 (MANE Select); coding-DNA position 619, A replaced by C.
Protein change: p.Thr207Pro; replaces threonine 207 with proline.
Molecular consequence: missense variant. On other transcripts: non-coding transcript variant (1).
Genome position (GRCh38, 1-based): chr13:32,326,601, A>C. VCF-style: chr13-32326601-A-C. GRCh37 (hg19) VCF-style: chr13-32900738-A-C.
Other names: c.619A>C, p.Thr207Pro (NM_001406719.1, NM_001406720.1, NM_001406721.1); c.250A>C, p.Thr84Pro (NM_001406722.1); short protein forms T207P, T84P.
Identifiers: ClinVar variation 2586320 (VCV002586320.3), dbSNP rs80358858, ClinGen allele CA387758338.